The following is an entry in ClinVar:

NM_001144061.2(COPB1):c.46A>G (p.Met16Val)

Gene: COPB1 (coat protein complex I subunit beta 1; minus strand). Cytogenetic location: 11p15.2.
Variant type: single nucleotide variant.
Coding change: c.46A>G on transcript NM_001144061.2 (MANE Select); coding-DNA position 46, A replaced by G.
Protein change: p.Met16Val; replaces methionine 16 with valine.
Molecular consequence: missense variant.
Genome position (GRCh38, 1-based): chr11:14,498,883, T>C on the plus strand (A>G on the coding strand, the complement: COPB1 is on the minus strand). VCF-style: chr11-14498883-T-C. GRCh37 (hg19) VCF-style: chr11-14520429-T-C.
Other names: c.46A>G, p.Met16Val (NM_001144062.2, NM_016451.5); c.46A>G (NM_016451.4); short protein forms M16V.
Identifiers: ClinVar variation 3768575 (VCV003768575.2).
Genomic context (GRCh38, chr11:14,498,883, plus strand): 5'-AATATCGAAGTTTACCTAGATCATTTTTTAAGCTAATTTCAGATGGTGGTTCTGAATCCA[T>C]TGGCACGTTAATTAACGTGTAGCATACGTTCTCAGCCGCCGTCATGGTTTCTGGTTATAT-3'
Protein context (NP_001137533.1, residues 6-26): NVCYTLINVP[Met16Val]DSEPPSEISL

ClinVar aggregate classification (germline): Uncertain significance. Review status: criteria provided, multiple submitters, no conflicts (2 of 4 stars). 2 submissions from 2 submitters: Uncertain significance (2). Last evaluated 2025-04-06.

Conditions:
Baralle-Macken syndrome. Also called: NEURODEVELOPMENTAL DISORDER WITH CATARACTS AND VARIABLE MICROCEPHALY. Identifiers: Orphanet 633035, MedGen C5543241, MONDO:0031002, OMIM 619255.

Submissions (2):

Ambry Genetics
Classification: Uncertain significance. Last evaluated: 2025-04-06. Review status: criteria provided, single submitter. Criteria: Ambry Variant Classification Scheme 2023. Collection method: clinical testing. Allele origin: germline.

Institute of Medical Genetics and Applied Genomics, University Hospital Tübingen
Classification: Uncertain significance for Baralle-Macken syndrome. Last evaluated: 2025-03-14. Review status: criteria provided, single submitter. Criteria: ACMG Guidelines, 2015. Collection method: clinical testing. Allele origin: germline. Inheritance: Autosomal recessive inheritance. Affected: yes. Clinical features observed: Atypical behavior (HP:0000708), Autism (HP:0000717), Aggressive behavior (HP:0000718), Motor stereotypies (HP:0000733), Delayed speech and language development (HP:0000750), Intellectual disability (HP:0001249).
Comment: observed in two affected dizygotic twin sisters